The following is an entry in ClinVar:

ClinVar aggregate classification (germline): Benign. Review status: criteria provided, multiple submitters, no conflicts (2 of 4 stars). 3 submissions from 3 submitters: Benign (3). Last evaluated 2023-11-12.

Allele frequency attached by ClinVar (database versions not stated): TOPMed 0.22671; gnomAD 0.23114 and 0.23492; 1000 Genomes Project 30x 0.24844; 1000 Genomes Project 0.25779; gnomAD exomes 0.26020.
gnomAD v4.1: 379,335 of 1,473,594 alleles (26%); highest among the groups gnomAD compares: East Asian, 54%; 51,436 homozygotes.

Submissions (3):

Unidad de Genómica Garrahan, Hospital de Pediatría Garrahan
Classification: Benign. Last evaluated: 2023-11-12. Review status: criteria provided, single submitter. Criteria: ACMG Guidelines, 2015. Collection method: clinical testing. Allele origin: germline. Affected: no. Observed: 19 variant alleles.
Comment: This variant is classified as Benign based on local population frequency. This variant was detected in 20% of patients studied by a panel of primary immunodeficiencies. Number of patients: 19. Only high quality variants are reported.

GeneDx
Classification: Benign. Last evaluated: 2021-06-19. Review status: criteria provided, single submitter. Criteria: GeneDx Variant Classification Process June 2021. Collection method: clinical testing. Allele origin: germline. Affected: yes.

Breakthrough Genomics
Classification: Benign. Review status: criteria provided, single submitter. Criteria: ACMG Guidelines, 2015. Collection method: not provided. Allele origin: germline. Inheritance: Autosomal recessive inheritance. Affected: yes.

NM_007315.4(STAT1):c.1728-103T>C

Gene: STAT1 (signal transducer and activator of transcription 1; minus strand). Cytogenetic location: 2q32.2.
Variant type: single nucleotide variant.
Coding change: c.1728-103T>C on transcript NM_007315.4 (MANE Select); 103 bases into the intron before coding-DNA position 1728, T replaced by C.
Molecular consequence: intron variant.
Genome position (GRCh38, 1-based): chr2:190,979,104, A>G on the plus strand (T>C on the coding strand, the complement: STAT1 is on the minus strand). VCF-style: chr2-190979104-A-G. GRCh37 (hg19) VCF-style: chr2-191843830-A-G.
Other names: c.1638-103T>C (NM_001384890.1); c.1629-103T>C (NM_001384883.1); c.1569-103T>C (NM_001384885.1); c.1635-103T>C (NM_001384887.1); c.1668-103T>C (NM_001384880.1); c.1698-103T>C (NM_001384888.1); c.1722-103T>C (NM_001384882.1); c.1728-103T>C (NM_001384889.1, NM_001384886.1, NM_139266.3); and 2 more.
Identifiers: ClinVar variation 1226208 (VCV001226208.6), dbSNP rs2280235, ClinGen allele CA11244718.